The following is an entry in ClinVar:

NM_001024630.4(RUNX2):c.734_737dup (p.Ser247fs)

Gene: RUNX2 (RUNX family transcription factor 2; plus strand). Cytogenetic location: 6p21.1.
Variant type: Duplication.
Coding change: c.734_737dup on transcript NM_001024630.4 (MANE Select); coding-DNA positions 734 to 737, 4 bases duplicated (GCCT; older notation c.734_737dupGCCT).
Protein change: p.Ser247fs; shifts the reading frame from serine 247.
Molecular consequence: frameshift variant.
Genome position (GRCh38, 1-based): chr6:45,491,989-45,491,992, GCCT duplicated. VCF-style (leftmost placement, unchanged base first): chr6-45491988-C-CGCCT. GRCh37 (hg19) VCF-style: chr6-45459725-C-CGCCT.
Other names: c.734_737dup, p.Ser247fs (NM_001015051.4); c.692_695dup, p.Ser233fs (NM_001278478.2, NM_001369405.1); short protein forms S233fs, S247fs.
Identifiers: ClinVar variation 3645504 (VCV003645504.2).
Genomic context (GRCh38, chr6:45,491,988, plus strand): 5'-TTGCTATTTCCAGGGCACAGACAGAAGCTTGATGACTCTAAACCTAGTTTGTTCTCTGAC[C>CGCCT]GCCTCAGTGATTTAGGGCGCATTCCTCATCCCAGTATGAGAGTAGGTGTCCCGCCTCAGA-3'

ClinVar aggregate classification (germline): Pathogenic (1 of 4 stars; one submission).

Submission:

Labcorp Genetics (formerly Invitae), Labcorp
Classification: Pathogenic. Last evaluated: 2024-03-12. Review status: criteria provided, single submitter. Criteria: Invitae Variant Classification Sherloc (09022015). Collection method: clinical testing. Allele origin: germline.
Comment: This sequence change creates a premature translational stop signal (p.Ser247Profs*3) in the RUNX2 gene. It is expected to result in an absent or disrupted protein product. Loss-of-function variants in RUNX2 are known to be pathogenic (PMID: 10521292, 11857736). This variant is not present in population databases (gnomAD no frequency). This variant has not been reported in the literature in individuals affected with RUNX2-related conditions. For these reasons, this variant has been classified as Pathogenic.

Literature cited by the submitters: PubMed 10521292; PubMed 11857736.